The following is an entry in ClinVar:

ClinVar aggregate classification (germline): Pathogenic (1 of 4 stars; one submission).

Submission:

CeGaT Center for Human Genetics Tuebingen
Classification: Pathogenic. Last evaluated: 2025-08-01. Review status: criteria provided, single submitter. Criteria: CeGaT Center For Human Genetics Tuebingen Variant Classification Criteria Version 2. Collection method: clinical testing. Allele origin: germline. Affected: yes. Observed: 1 variant allele.
Comment: ALMS1: PVS1, PM2

NM_001378454.1(ALMS1):c.5323del (p.Asp1775fs)

Gene: ALMS1 (ALMS1 centrosome and basal body associated protein; plus strand). Cytogenetic location: 2p13.1.
Variant type: Deletion.
Coding change: c.5323del on transcript NM_001378454.1 (MANE Select); coding-DNA position 5323, one base deleted (G; older notation c.5323delG).
Protein change: p.Asp1775fs; shifts the reading frame from aspartic acid 1775.
Molecular consequence: frameshift variant.
Genome position (GRCh38, 1-based): chr2:73,451,850, G deleted. VCF-style (leftmost placement, unchanged base first): chr2-73451849-AG-A. GRCh37 (hg19) VCF-style: chr2-73678976-AG-A.
Other names: c.5326del, p.Asp1776fs (NM_015120.4); short protein forms D1775fs, D1776fs.
Identifiers: ClinVar variation 4085999 (VCV004085999.8).